The following is an entry in ClinVar:

NM_000368.5(TSC1):c.3047G>A (p.Gly1016Asp)

Gene: TSC1 (TSC complex subunit 1; minus strand). Cytogenetic location: 9q34.13.
Variant type: single nucleotide variant.
Coding change: c.3047G>A on transcript NM_000368.5 (MANE Select); coding-DNA position 3047, G replaced by A.
Protein change: p.Gly1016Asp; replaces glycine 1016 with aspartic acid.
Molecular consequence: missense variant.
Genome position (GRCh38, 1-based): chr9:132,896,683, C>T on the plus strand (G>A on the coding strand, the complement: TSC1 is on the minus strand). VCF-style: chr9-132896683-C-T. GRCh37 (hg19) VCF-style: chr9-135772070-C-T.
Other names: c.3044G>A, p.Gly1015Asp (NM_001162426.2); c.2894G>A, p.Gly965Asp (NM_001162427.2); c.2684G>A, p.Gly895Asp (NM_001362177.2); short protein forms G1016D, G1015D, G895D, G965D.
Identifiers: ClinVar variation 466113 (VCV000466113.19), dbSNP rs1313165721, ClinGen allele CA375367719.
Genomic context (GRCh38, chr9:132,896,683, plus strand): 5'-CCACCACCTCTGCTTCCACTACTGCCCCGGGCGCTGCTGGGCCTGGGGGTCTTGGTCTCA[C>T]CGTTGTGGCCAGATGCCTCTTCATTGTGCCCTACCATGGAATCTGAGCACCCGTCATTAC-3'
Protein context (NP_000359.1, residues 1006-1026): GHNEEASGHN[Gly1016Asp]ETKTPRPSSA

ClinVar aggregate classification (germline): Conflicting classifications of pathogenicity. Review status: criteria provided, conflicting classifications (1 of 4 stars). 8 submissions from 8 submitters: Uncertain significance (5); Likely benign (2). 1 of the submissions does not count toward it. Last evaluated 2026-01-27.

Conditions:
Isolated focal cortical dysplasia type II (FCORD2). Also called: CORTICAL DYSPLASIA OF TAYLOR; Focal cortical dysplasia type II. Identifiers: Orphanet 268994, MedGen C1846385, MONDO:0011818, OMIM 607341, HP:0032051.
Tuberous sclerosis 1 (TSC1). Identifiers: Orphanet 805, MedGen C1854465, MONDO:0008612, OMIM 191100.
Lymphangiomyomatosis (LAM). Also called: Lymphangioleiomyomatosis; Lymphangioleiomyomatosis, somatic. Identifiers: Orphanet 538, MedGen C0751674, MONDO:0011705, OMIM 606690.
TSC1-related disorder. Also called: TSC1-related condition.
Hereditary cancer-predisposing syndrome. Also called: Hereditary neoplastic syndrome; Neoplastic Syndromes, Hereditary; Tumor predisposition; Hereditary Cancer Syndrome. Identifiers: Orphanet 140162, MedGen C0027672, MeSH D009386, MONDO:0015356.
Tuberous sclerosis syndrome (TSC). Also called: Tuberous Sclerosis Complex; Tuberous sclerosis. Identifiers: Orphanet 805, MedGen C0041341, MONDO:0001734.

Allele frequency attached by ClinVar (database versions not stated): gnomAD exomes below 0.00001 and 0.00001; gnomAD 0.00001.
gnomAD v4.1: 4 of 1,613,894 alleles (0.00025%); highest among the groups gnomAD compares: Middle Eastern, 0.033%; no homozygotes.

Submissions (8):

Labcorp Genetics (formerly Invitae), Labcorp
Classification: Likely benign for Tuberous sclerosis 1. Last evaluated: 2026-01-27. Review status: criteria provided, single submitter. Criteria: Invitae Variant Classification Sherloc (09022015). Collection method: clinical testing. Allele origin: germline.

Baylor Genetics
Classification: Uncertain significance for Isolated focal cortical dysplasia type II. Last evaluated: 2024-03-25. Review status: criteria provided, single submitter. Criteria: ACMG Guidelines, 2015. Collection method: clinical testing. Allele origin: unknown.

Women's Health and Genetics/Laboratory Corporation of America, LabCorp
Classification: Uncertain significance. Last evaluated: 2024-03-05. Review status: criteria provided, single submitter. Criteria: LabCorp Variant Classification Summary - May 2015. Collection method: clinical testing. Allele origin: germline.
Comment: Variant summary: TSC1 c.3047G>A (p.Gly1016Asp) results in a non-conservative amino acid change in the encoded protein sequence. Five of five in-silico tools predict a damaging effect of the variant on protein function. The variant allele was found at a frequency of 4e-06 in 250064 control chromosomes. The available data on variant occurrences in the general population are insufficient to allow any conclusion about variant significance. To our knowledge, no occurrence of c.3047G>A in individuals affected with Tuberous Sclerosis Complex and no experimental evidence demonstrating its impact on protein function have been reported. ClinVar contains an entry for this variant (Variation ID: 466113). Based on the evidence outlined above, the variant was classified as VUS-possibly benign.

All of Us Research Program, National Institutes of Health
Classification: Uncertain significance for Tuberous sclerosis syndrome. Last evaluated: 2023-11-20. Review status: criteria provided, single submitter. Criteria: ACMG Guidelines, 2015. Collection method: clinical testing. Allele origin: germline. Inheritance: Autosomal dominant inheritance. Observed: 1 variant allele, 1 heterozygote.
Comment: This missense variant replaces glycine with aspartic acid at codon 1016 of the TSC1 protein. Computational prediction suggests that this variant may not impact protein structure and function (internally defined REVEL score threshold <= 0.5, PMID: 27666373). To our knowledge, functional studies have not been reported for this variant. This variant has not been reported in individuals affected with TSC1-related disorders in the literature. This variant has been identified in 1/250064 chromosomes in the general population by the Genome Aggregation Database (gnomAD). The available evidence is insufficient to determine the role of this variant in disease conclusively. Therefore, this variant is classified as a Variant of Uncertain Significance.

This study involves interpretation of variants in research participants for the purpose of population health screening. Participant phenotype was not available at the time of variant classification. Additional details can be found in publication PMID: 35346344, PMCID: PMC8962531

Ambry Genetics
Classification: Likely benign for Hereditary cancer-predisposing syndrome. Last evaluated: 2022-11-22. Review status: criteria provided, single submitter. Criteria: Ambry Variant Classification Scheme 2023. Collection method: clinical testing. Allele origin: germline.

Fulgent Genetics
Classification: Uncertain significance for Tuberous sclerosis 1; Lymphangiomyomatosis; Isolated focal cortical dysplasia type II. Last evaluated: 2022-04-13. Review status: criteria provided, single submitter. Criteria: ACMG Guidelines, 2015. Collection method: clinical testing. Allele origin: unknown.

Sema4
Classification: Uncertain significance for Hereditary cancer-predisposing syndrome. Last evaluated: 2021-09-28. Review status: criteria provided, single submitter. Criteria: Sema4 Curation Guidelines. Collection method: curation. Allele origin: germline.
Comment: The TSC1 c.3047G>A (p.G1016D) variant has not been reported in the literature to our knowledge. It was observed in 1/250064 chromosomes in the large and broad cohorts of the Genome Aggregation Database (PMID: 32461654). The variant has been reported in ClinVar (Variation ID 466113). Functional studies have not been performed, and in silico predictions of the variant's effect on protein function are inconclusive. The evidence is insufficient to meet ACMG/AMP criteria for classifying the variant as benign or pathogenic. Thus, the clinical significance of this variant is currently uncertain.

PreventionGenetics, part of Exact Sciences
Classification: Uncertain significance for TSC1-related condition. Last evaluated: 2024-03-04. Review status: no assertion criteria provided. Collection method: clinical testing. Allele origin: germline. Not counted in ClinVar's aggregate classification.
Comment: The TSC1 c.3047G>A variant is predicted to result in the amino acid substitution p.Gly1016Asp. To our knowledge, this variant has not been reported in the literature. This variant is reported in a single heterozygous individual of the the "Other" population in gnomAD. In ClinVar, it is interpreted as likely benign/uncertain. At this time, the clinical significance of this variant is uncertain due to the absence of conclusive functional and genetic evidence.